The following is an entry in ClinVar:

ClinVar aggregate classification (germline): Benign (1 of 4 stars; one submission).

Conditions:
Hereditary spastic paraplegia 31. Also called: SPASTIC PARAPLEGIA 31, AUTOSOMAL DOMINANT. Identifiers: Orphanet 101011, MedGen C1853247, MONDO:0012453, OMIM 610250.

Allele frequency attached by ClinVar (database versions not stated): gnomAD 0.00051; 1000 Genomes Project 0.00060; 1000 Genomes Project 30x 0.00062; TOPMed 0.00062.

Submission:

Illumina Laboratory Services, Illumina
Classification: Benign for Hereditary spastic paraplegia 31. Last evaluated: 2018-01-13. Review status: criteria provided, single submitter. Criteria: ICSL Variant Classification Criteria 13 December 2019. Collection method: clinical testing. Allele origin: germline.
Comment: This variant was observed in the ICSL laboratory as part of a predisposition screen in an ostensibly healthy population. It had not been previously curated by ICSL or reported in the Human Gene Mutation Database (HGMD: prior to June 1st, 2018), and was therefore a candidate for classification through an automated scoring system. Utilizing variant allele frequency, disease prevalence and penetrance estimates, and inheritance mode, an automated score was calculated to assess if this variant is too frequent to cause the disease. Based on the score and internal cut-off values, a variant classified as benign is not then subjected to further curation. The score for this variant resulted in a classification of benign for this disease.

NM_001371279.1(REEP1):c.*906C>T

Gene: REEP1 (receptor accessory protein 1; minus strand). Cytogenetic location: 2p11.2.
Variant type: single nucleotide variant.
Coding change: c.*906C>T on transcript NM_001371279.1 (MANE Select); 906 bases downstream of the stop codon, C replaced by T.
Molecular consequence: 3 prime UTR variant.
Genome position (GRCh38, 1-based): chr2:86,216,133, G>A on the plus strand (C>T on the coding strand, the complement: REEP1 is on the minus strand). VCF-style: chr2-86216133-G-A. GRCh37 (hg19) VCF-style: chr2-86443256-G-A.
Other names: c.*967C>T (NM_001164730.2, NM_001164731.2, NM_022912.3); c.*906C>T (NM_001164732.2, NM_001371280.1).
Identifiers: ClinVar variation 337379 (VCV000337379.5), dbSNP rs140533240, ClinGen allele CA10614126.